The following is an entry in ClinVar:

NM_001378615.1(CC2D2A):c.3289-2A>C

Genes: CC2D2A (coiled-coil and C2 domain containing 2A; plus strand), FBXL5 (F-box and leucine rich repeat protein 5; minus strand). Cytogenetic location: 4p15.32.
Variant type: single nucleotide variant.
Coding change: c.3289-2A>C on transcript NM_001378615.1 (MANE Select); the canonical splice acceptor site of the intron before coding-DNA position 3289, A replaced by C.
Molecular consequence: splice acceptor variant.
Genome position (GRCh38, 1-based): chr4:15,567,675, A>C. VCF-style: chr4-15567675-A-C. GRCh37 (hg19) VCF-style: chr4-15569298-A-C.
Other names: c.3289-2A>C (NM_001080522.2); c.3142-2A>C (NM_001378617.1).
Identifiers: ClinVar variation 3751124 (VCV003751124.2).

ClinVar aggregate classification (germline): Likely pathogenic (1 of 4 stars; one submission).

Conditions:
Joubert syndrome. Also called: JOUBERT-BOLTSHAUSER SYNDROME; Familial aplasia of the vermis. Identifiers: Orphanet 475, MedGen C5979921, MONDO:0018772.
Meckel-Gruber syndrome. Also called: DYSENCEPHALIA SPLANCHNOCYSTICA; GRUBER SYNDROME; Dysencephalia splachnocystica. Identifiers: Orphanet 564, MedGen C0265215, MONDO:0018921.

Submission:

Labcorp Genetics (formerly Invitae), Labcorp
Classification: Likely pathogenic for Joubert syndrome; Meckel-Gruber syndrome. Last evaluated: 2025-01-08. Review status: criteria provided, single submitter. Criteria: Invitae Variant Classification Sherloc (09022015). Collection method: clinical testing. Allele origin: germline.
Comment: This sequence change affects an acceptor splice site in intron 26 of the CC2D2A gene. It is expected to disrupt RNA splicing. Variants that disrupt the donor or acceptor splice site typically lead to a loss of protein function (PMID: 16199547), and loss-of-function variants in CC2D2A are known to be pathogenic (PMID: 19777577). This variant is not present in population databases (gnomAD no frequency). This variant has not been reported in the literature in individuals affected with CC2D2A-related conditions. Algorithms developed to predict the effect of sequence changes on RNA splicing suggest that this variant may disrupt the consensus splice site. In summary, the currently available evidence indicates that the variant is pathogenic, but additional data are needed to prove that conclusively. Therefore, this variant has been classified as Likely Pathogenic.

Literature cited by the submitters: PubMed 16199547; PubMed 19777577.